The following is an entry in ClinVar:

NM_018180.3(DHX32):c.1621G>A (p.Glu541Lys)

Genes: BCCIP (BRCA2 and CDKN1A interacting protein; plus strand), DHX32 (DEAH-box helicase 32 (putative); minus strand). Cytogenetic location: 10q26.2.
Variant type: single nucleotide variant.
Coding change: c.1621G>A on transcript NM_018180.3 (MANE Select); coding-DNA position 1621, G replaced by A.
Protein change: p.Glu541Lys; replaces glutamic acid 541 with lysine.
Molecular consequence: missense variant. On other transcripts: intron variant (2).
Genome position (GRCh38, 1-based): chr10:125,840,919, C>T on the plus strand (G>A on the coding strand, the complement: DHX32 is on the minus strand). VCF-style: chr10-125840919-C-T. GRCh37 (hg19) VCF-style: chr10-127529488-C-T.
Other names: c.775-336C>T (NM_016567.4, NM_078469.3); short protein forms E541K.
Identifiers: ClinVar variation 1908493 (VCV001908493.5), dbSNP rs756314439, ClinGen allele CA5739099.

ClinVar aggregate classification (germline): Uncertain significance. Review status: criteria provided, multiple submitters, no conflicts (2 of 4 stars). 2 submissions from 2 submitters: Uncertain significance (2). Last evaluated 2025-08-26.

Allele frequency attached by ClinVar (database versions not stated): TOPMed 0.00002; gnomAD 0.00003; ExAC 0.00002; gnomAD exomes 0.00001.
gnomAD v4.1: 24 of 1,612,558 alleles (0.0015%); highest among the groups gnomAD compares: Admixed American, 0.005%; no homozygotes.

Submissions (2):

Ambry Genetics
Classification: Uncertain significance. Last evaluated: 2025-08-26. Review status: criteria provided, single submitter. Criteria: Ambry Variant Classification Scheme 2023. Collection method: clinical testing. Allele origin: germline.

Labcorp Genetics (formerly Invitae), Labcorp
Classification: Uncertain significance. Last evaluated: 2025-02-10. Review status: criteria provided, single submitter. Criteria: Invitae Variant Classification Sherloc (09022015). Collection method: clinical testing. Allele origin: germline.
Comment: This sequence change replaces glutamic acid, which is acidic and polar, with lysine, which is basic and polar, at codon 541 of the DHX32 protein (p.Glu541Lys). This variant is present in population databases (rs756314439, gnomAD 0.007%). This variant has not been reported in the literature in individuals affected with DHX32-related conditions. ClinVar contains an entry for this variant (Variation ID: 1908493). An algorithm developed to predict the effect of missense changes on protein structure and function (PolyPhen-2) suggests that this variant is likely to be disruptive. In summary, the available evidence is currently insufficient to determine the role of this variant in disease. Therefore, it has been classified as a Variant of Uncertain Significance.